The following is an entry in ClinVar:

NM_207122.2(EXT2):c.1740G>C (p.Trp580Cys)

Gene: EXT2 (exostosin glycosyltransferase 2; plus strand). Cytogenetic location: 11p11.2.
Variant type: single nucleotide variant.
Coding change: c.1740G>C on transcript NM_207122.2 (MANE Select); coding-DNA position 1740, G replaced by C.
Protein change: p.Trp580Cys; replaces tryptophan 580 with cysteine.
Molecular consequence: missense variant.
Genome position (GRCh38, 1-based): chr11:44,232,430, G>C. VCF-style: chr11-44232430-G-C. GRCh37 (hg19) VCF-style: chr11-44253980-G-C.
Other names: c.1839G>C, p.Trp613Cys (NM_000401.3); c.1770G>C, p.Trp590Cys (NM_001178083.3); c.1740G>C, p.Trp580Cys (NM_001389628.1, NM_001389630.1); short protein forms W580C, W590C, W613C.
Identifiers: ClinVar variation 936620 (VCV000936620.10), dbSNP rs1564986609, ClinGen allele CA380182978.

ClinVar aggregate classification (germline): Uncertain significance (1 of 4 stars; one submission).

Conditions:
Exostoses, multiple, type 2 (EXT2). Also called: Hereditary Multiple Osteochondromatosis, Type II; EXOSTOSES, MULTIPLE, TYPE II. Identifiers: Orphanet 321, MedGen C1851413, MONDO:0007586, OMIM 133701.

Submission:

Labcorp Genetics (formerly Invitae), Labcorp
Classification: Uncertain significance for Exostoses, multiple, type 2. Last evaluated: 2022-02-24. Review status: criteria provided, single submitter. Criteria: Invitae Variant Classification Sherloc (09022015). Collection method: clinical testing. Allele origin: germline.
Comment: This variant is not present in population databases (gnomAD no frequency). In summary, the available evidence is currently insufficient to determine the role of this variant in disease. Therefore, it has been classified as a Variant of Uncertain Significance. Algorithms developed to predict the effect of missense changes on protein structure and function (SIFT, PolyPhen-2, Align-GVGD) all suggest that this variant is likely to be disruptive. ClinVar contains an entry for this variant (Variation ID: 936620). This variant has not been reported in the literature in individuals affected with EXT2-related conditions. This sequence change replaces tryptophan, which is neutral and slightly polar, with cysteine, which is neutral and slightly polar, at codon 580 of the EXT2 protein (p.Trp580Cys).